The following is an entry in ClinVar:

ClinVar aggregate classification (germline): Uncertain significance. Review status: criteria provided, multiple submitters, no conflicts (2 of 4 stars). 5 submissions from 5 submitters: Uncertain significance (5). Last evaluated 2025-12-08.

Conditions:
Aortic aneurysm, familial thoracic 4 (AAT4). Also called: AORTIC ANEURYSM/AORTIC DISSECTION AND PATENT DUCTUS ARTERIOSUS. Identifiers: MedGen C1851504, MONDO:0007568, OMIM 132900.
MYH11-related disorder. Also called: MYH11-related condition.
Familial thoracic aortic aneurysm and aortic dissection (TAAD). Also called: Thoracic aortic aneurysms and dissections. Identifiers: Orphanet 91387, MedGen C4707243, MONDO:0019625.

Allele frequency attached by ClinVar (database versions not stated): gnomAD 0.00001 and 0.00002; gnomAD exomes 0.00001; ExAC 0.00002; TOPMed 0.00002.
gnomAD v4.1: 15 of 1,614,064 alleles (0.00093%); highest among the groups gnomAD compares: Admixed American, 0.0017%; no homozygotes.

Submissions (5):

PreventionGenetics, part of Exact Sciences
Classification: Uncertain significance for MYH11-related condition. Last evaluated: 2025-12-08. Review status: criteria provided, single submitter. Criteria: ACMG Guidelines, 2015. Collection method: clinical testing. Allele origin: germline.
Comment: The MYH11 c.4532G>A variant is predicted to result in the amino acid substitution p.Arg1511Gln. This variant has been reported in an individual with cardiac conduction system disease; however, this individual also carried a truncating variant in a different gene that could explain the phenotype (patient #3, Hayashi et al. 2020. PubMed ID: 31977013). This variant is reported in 0.0026% of alleles in individuals of European (Non-Finnish) descent in gnomAD. At this time, the clinical significance of this variant is uncertain due to the absence of conclusive functional and genetic evidence.

Color Diagnostics, LLC DBA Color Health
Classification: Uncertain significance for Familial thoracic aortic aneurysm and aortic dissection. Last evaluated: 2025-08-27. Review status: criteria provided, single submitter. Criteria: ACMG Guidelines, 2015. Collection method: clinical testing. Allele origin: germline.
Comment: This missense variant replaces arginine with glutamine at codon 1511 of the MYH11 protein. Computational prediction suggests that this variant may have deleterious impact on protein structure and function. To our knowledge, functional studies have not been reported for this variant. This variant has been reported in an individual affected with early-onset cardiac conduction system disease, who also carried a pathogenic truncation variant in the LMNA gene (PMID: 31977013). This variant has been identified in 3/251490 chromosomes in the general population by the Genome Aggregation Database (gnomAD). The available evidence is insufficient to determine the role of this variant in disease conclusively. Therefore, this variant is classified as a Variant of Uncertain Significance.

Labcorp Genetics (formerly Invitae), Labcorp
Classification: Uncertain significance for Aortic aneurysm, familial thoracic 4. Last evaluated: 2024-12-24. Review status: criteria provided, single submitter. Criteria: Invitae Variant Classification Sherloc (09022015). Collection method: clinical testing. Allele origin: germline.
Comment: This sequence change replaces arginine, which is basic and polar, with glutamine, which is neutral and polar, at codon 1511 of the MYH11 protein (p.Arg1511Gln). This variant is present in population databases (rs769614526, gnomAD 0.003%). This variant has not been reported in the literature in individuals affected with MYH11-related conditions. ClinVar contains an entry for this variant (Variation ID: 919277). Invitae Evidence Modeling of protein sequence and biophysical properties (such as structural, functional, and spatial information, amino acid conservation, physicochemical variation, residue mobility, and thermodynamic stability) indicates that this missense variant is not expected to disrupt MYH11 protein function with a negative predictive value of 95%. In summary, the available evidence is currently insufficient to determine the role of this variant in disease. Therefore, it has been classified as a Variant of Uncertain Significance.

All of Us Research Program, National Institutes of Health
Classification: Uncertain significance for Familial thoracic aortic aneurysm and aortic dissection. Last evaluated: 2023-09-05. Review status: criteria provided, single submitter. Criteria: ACMG Guidelines, 2015. Collection method: clinical testing. Allele origin: germline. Inheritance: Autosomal dominant inheritance. Observed: 4 variant alleles, 4 heterozygotes.
Comment: This missense variant replaces arginine with glutamine at codon 1511 of the MYH11 protein. Computational prediction suggests that this variant may have deleterious impact on protein structure and function (internally defined REVEL score threshold >= 0.7, PMID: 27666373). To our knowledge, functional studies have not been reported for this variant. This variant has been reported in an individual affected with early-onset cardiac conduction system disease, who also carried a pathogenic truncation variant in the LMNA gene that could explain the observed phenotype (PMID: 31977013). This variant has been identified in 3/251490 chromosomes in the general population by the Genome Aggregation Database (gnomAD). The available evidence is insufficient to determine the role of this variant in disease conclusively. Therefore, this variant is classified as a Variant of Uncertain Significance.

This study involves interpretation of variants in research participants for the purpose of population health screening. Participant phenotype was not available at the time of variant classification. Additional details can be found in publication PMID: 35346344, PMCID: PMC8962531

Ambry Genetics
Classification: Uncertain significance for Familial thoracic aortic aneurysm and aortic dissection. Last evaluated: 2022-05-25. Review status: criteria provided, single submitter. Criteria: Ambry Variant Classification Scheme 2023. Collection method: clinical testing. Allele origin: germline.
Comment: The p.R1504Q variant (also known as c.4511G>A), located in coding exon 31 of the MYH11 gene, results from a G to A substitution at nucleotide position 4511. The arginine at codon 1504 is replaced by glutamine, an amino acid with highly similar properties. This variant (referred to as c.4532G>A, p.R1511Q) co-occurred with a frameshift variant in the LMNA gene in an individual with cardiac conduction system disease (Hayashi K et al. Cardiovasc Res. 2020 11;116(13):2116-2130). This amino acid position is highly conserved in available vertebrate species. In addition, the in silico prediction for this alteration is inconclusive. Since supporting evidence is limited at this time, the clinical significance of this alteration remains unclear.

Literature cited by the submitters: PubMed 31977013 (cited by 3 submitters).

NM_002474.3(MYH11):c.4511G>A (p.Arg1504Gln)

Genes: MYH11 (myosin heavy chain 11; minus strand), NDE1 (nudE neurodevelopment protein 1; plus strand). Cytogenetic location: 16p13.11.
Variant type: single nucleotide variant.
Coding change: c.4511G>A on transcript NM_002474.3 (MANE Select); coding-DNA position 4511, G replaced by A.
Protein change: p.Arg1504Gln; replaces arginine 1504 with glutamine.
Molecular consequence: missense variant. On other transcripts: intron variant (2).
Genome position (GRCh38, 1-based): chr16:15,721,489, C>T on the plus strand (G>A on the coding strand, the complement: MYH11 is on the minus strand). VCF-style: chr16-15721489-C-T. GRCh37 (hg19) VCF-style: chr16-15815346-C-T.
Other names: c.4532G>A, p.Arg1511Gln (NM_001040113.2, NM_001040114.2); c.4511G>A, p.Arg1504Gln (NM_022844.3); c.948-2702C>T (NM_001143979.2, NM_017668.3); short protein forms R1511Q, R1504Q.
Identifiers: ClinVar variation 919277 (VCV000919277.13), dbSNP rs769614526, ClinGen allele CA7921653.